The following is an entry in ClinVar:

NM_032043.3(BRIP1):c.2623G>C (p.Glu875Gln)

Gene: BRIP1 (BRCA1 interacting DNA helicase 1; minus strand). Cytogenetic location: 17q23.2.
Variant type: single nucleotide variant.
Coding change: c.2623G>C on transcript NM_032043.3 (MANE Select); coding-DNA position 2623, G replaced by C.
Protein change: p.Glu875Gln; replaces glutamic acid 875 with glutamine.
Molecular consequence: missense variant.
Genome position (GRCh38, 1-based): chr17:61,686,118, C>G on the plus strand (G>C on the coding strand, the complement: BRIP1 is on the minus strand). VCF-style: chr17-61686118-C-G. GRCh37 (hg19) VCF-style: chr17-59763479-C-G.
Other names: short protein forms E875Q.
Identifiers: ClinVar variation 231332 (VCV000231332.16), dbSNP rs876659099, ClinGen allele CA10580792.
Genomic context (GRCh38, chr17:61,686,118, plus strand): 5'-ATACATTAAGAACTTTTTGATGCTTTTTGGAAAATTCAGCCAAGGATTCCAGTGCACTTT[C>G]AAAGGTTGAATGGTGCTGAATCTGCTGCCGTACCCATTTAGAAAGTCCTAAAGAAAAAGG-3'
Protein context (NP_114432.2, residues 865-885): RQQIQHHSTF[Glu875Gln]SALESLAEFS

ClinVar aggregate classification (germline): Uncertain significance. Review status: criteria provided, multiple submitters, no conflicts (2 of 4 stars). 3 submissions from 3 submitters: Uncertain significance (3). Last evaluated 2025-08-30.

Conditions:
Hereditary cancer-predisposing syndrome. Also called: Hereditary Cancer Syndrome; Neoplastic Syndromes, Hereditary; Tumor predisposition; Hereditary neoplastic syndrome. Identifiers: Orphanet 140162, MedGen C0027672, MeSH D009386, MONDO:0015356.
Fanconi anemia complementation group J. Also called: BRIP1-Related Fanconi Anemia. Identifiers: Orphanet 84, MedGen C1836860, MONDO:0012187, OMIM 609054.
Familial cancer of breast. Also called: Hereditary breast cancer; hereditary breast carcinoma; BREAST CANCER, FAMILIAL. Identifiers: Orphanet 227535, MedGen C0346153, MONDO:0016419, OMIM 114480. Disease mechanism: loss of function.

Allele frequency attached by ClinVar (database versions not stated): gnomAD exomes below 0.00001 and 0.00001.
gnomAD v4.1: 4 of 1,613,996 alleles (0.00025%); highest among the groups gnomAD compares: Non-Finnish European, 0.00034%; no homozygotes.

Submissions (3):

Labcorp Genetics (formerly Invitae), Labcorp
Classification: Uncertain significance for Familial cancer of breast; Fanconi anemia complementation group J. Last evaluated: 2025-08-30. Review status: criteria provided, single submitter. Criteria: Invitae Variant Classification Sherloc (09022015). Collection method: clinical testing. Allele origin: germline.
Comment: This sequence change replaces glutamic acid, which is acidic and polar, with glutamine, which is neutral and polar, at codon 875 of the BRIP1 protein (p.Glu875Gln). This variant is present in population databases (no rsID available, gnomAD 0.002%). This variant has not been reported in the literature in individuals affected with BRIP1-related conditions. ClinVar contains an entry for this variant (Variation ID: 231332). Invitae Evidence Modeling of protein sequence and biophysical properties (such as structural, functional, and spatial information, amino acid conservation, physicochemical variation, residue mobility, and thermodynamic stability) indicates that this missense variant is not expected to disrupt BRIP1 protein function with a negative predictive value of 95%. In summary, the available evidence is currently insufficient to determine the role of this variant in disease. Therefore, it has been classified as a Variant of Uncertain Significance.

Ambry Genetics
Classification: Uncertain significance for Hereditary cancer-predisposing syndrome. Last evaluated: 2025-08-25. Review status: criteria provided, single submitter. Criteria: Ambry Variant Classification Scheme 2023. Collection method: clinical testing. Allele origin: germline.
Comment: The p.E875Q variant (also known as c.2623G>C), located in coding exon 18 of the BRIP1 gene, results from a G to C substitution at nucleotide position 2623. This alteration is reported in an individual affected with ovarian and peritoneal mesothelioma cancer (Schubert S et al. Int J Cancer, 2019 Jun;144:2683-2694). The glutamic acid at codon 875 is replaced by glutamine, an amino acid with highly similar properties. This amino acid position is not well conserved in available vertebrate species. In addition, this alteration is predicted to be tolerated by in silico analysis. Since supporting evidence is limited at this time, the clinical significance of this alteration remains unclear.

Women's Health and Genetics/Laboratory Corporation of America, LabCorp
Classification: Uncertain significance. Last evaluated: 2020-01-23. Review status: criteria provided, single submitter. Criteria: LabCorp Variant Classification Summary - May 2015. Collection method: clinical testing. Allele origin: germline.
Comment: Variant summary: BRIP1 c.2623G>C (p.Glu875Gln) results in a conservative amino acid change in the encoded protein sequence. Five of five in-silico tools predict a benign effect of the variant on protein function. The variant allele was found at a frequency of 1.1e-05 in 261556 control chromosomes (gnomAD and publication). The available data on variant occurrences in the general population are insufficient to allow any conclusion about variant significance. c.2623G>C has been reported in the literature in one individual affected with breast cancer and/or ovarian cancer (Schubert_2019). The report does not provide unequivocal conclusions about association of the variant with Breast Cancer. To our knowledge, no experimental evidence demonstrating an impact on protein function has been reported. Two ClinVar submitters (evaluation after 2014) cite the variant as uncertain significance. Based on the evidence outlined above, the variant was classified as uncertain significance.

Literature cited by the submitters: PubMed 30426508 (cited by Ambry Genetics and Women's Health and Genetics/Laboratory Corporation of America, LabCorp); PubMed 26921362 (cited by Women's Health and Genetics/Laboratory Corporation of America, LabCorp).